The following is an entry in ClinVar:

ClinVar aggregate classification (germline): Conflicting classifications of pathogenicity. Review status: criteria provided, conflicting classifications (1 of 4 stars). 5 submissions from 5 submitters: Uncertain significance (1); Benign (1); Likely benign (3). Last evaluated 2026-01-28.

Conditions:
Kidney disorder. Also called: Nephropathy; Kidney disease; Kidney Diseases; renal disorder; renal disease. Identifiers: MedGen C0022658, MONDO:0005240, HP:0000112.
Nephronophthisis. Also called: Juvenile Nephronophthisis. Identifiers: Orphanet 655, MedGen C0687120, MONDO:0019005, HP:0000090.
Infantile nephronophthisis (NPHP2). Also called: Nephronophthisis 2; Nephronophthisis 2, infantile. Identifiers: Orphanet 655, Orphanet 93591, MedGen C1865872, MONDO:0011190, OMIM 602088.

Allele frequency attached by ClinVar (database versions not stated): gnomAD 0.00001 and 0.00033; TOPMed 0.00005; gnomAD exomes 0.00045 and 0.00085; ExAC 0.00096; 1000 Genomes Project 30x 0.00265; 1000 Genomes Project 0.00300.
gnomAD v4.1: 708 of 1,614,146 alleles (0.044%); highest among the groups gnomAD compares: South Asian, 0.72%; 7 homozygotes.

Submissions (5):

Labcorp Genetics (formerly Invitae), Labcorp
Classification: Benign for Nephronophthisis. Last evaluated: 2026-01-28. Review status: criteria provided, single submitter. Criteria: Invitae Variant Classification Sherloc (09022015). Collection method: clinical testing. Allele origin: germline.

Blueprint Genetics
Classification: Likely benign. Last evaluated: 2024-11-04. Review status: criteria provided, single submitter. Criteria: ACMG Guidelines, 2015. Collection method: clinical testing. Allele origin: germline.

Eurofins Ntd Llc (ga)
Classification: Likely benign. Last evaluated: 2018-03-26. Review status: criteria provided, single submitter. Criteria: EGL ClinVar v180209 classification definitions. Collection method: clinical testing. Allele origin: germline. Observed: 1 variant allele, 1 heterozygote.

Illumina Laboratory Services, Illumina
Classification: Likely benign for Infantile nephronophthisis. Last evaluated: 2018-01-12. Review status: criteria provided, single submitter. Criteria: ICSL Variant Classification Criteria 13 December 2019. Collection method: clinical testing. Allele origin: germline.
Comment: This variant was observed in the ICSL laboratory as part of a predisposition screen in an ostensibly healthy population. It had not been previously curated by ICSL or reported in the Human Gene Mutation Database (HGMD: prior to June 1st, 2018), and was therefore a candidate for classification through an automated scoring system. Utilizing variant allele frequency, disease prevalence and penetrance estimates, and inheritance mode, an automated score was calculated to assess if this variant is too frequent to cause the disease. Based on the score and internal cut-off values, a variant classified as likely benign is not then subjected to further curation. The score for this variant resulted in a classification of likely benign for this disease.

Genome Diagnostics Laboratory, The Hospital for Sick Children
Classification: Uncertain significance for Kidney disorder. Last evaluated: 2017-12-01. Review status: criteria provided, single submitter. Criteria: ACMG Guidelines, 2015. Collection method: clinical testing. Allele origin: germline.

NM_014425.5(INVS):c.3027C>T (p.His1009=)

Gene: INVS (inversin; plus strand). Cytogenetic location: 9q31.1.
Variant type: single nucleotide variant.
Coding change: c.3027C>T on transcript NM_014425.5 (MANE Select); coding-DNA position 3027, C replaced by T.
Protein change: p.His1009=; no amino-acid change (histidine 1009 retained).
Molecular consequence: synonymous variant. On other transcripts: non-coding transcript variant (1).
Genome position (GRCh38, 1-based): chr9:100,297,946, C>T. VCF-style: chr9-100297946-C-T. GRCh37 (hg19) VCF-style: chr9-103060228-C-T.
Other names: c.2739C>T, p.His913= (NM_001318381.2); c.2049C>T, p.His683= (NM_001318382.2).
Identifiers: ClinVar variation 364234 (VCV000364234.23), dbSNP rs201136636, ClinGen allele CA5158771.
Genomic context (GRCh38, chr9:100,297,946, plus strand): 5'-CCAAACGTATCCCTGGCCAAAGAAAAGTAACAGTTGTTGGTTCATTTCAGGTTGTTCTCA[C>T]GAAGGGAAAATACATCATCCTACAAGATCTGTAAAAGCCTCTTCTGTGCTGCGTCTCAAC-3'
Protein context (NP_055240.2, residues 999-1019): SVLKQIYGCS[His1009=]EGKIHHPTRS